The following is an entry in ClinVar:

ClinVar aggregate classification (germline): Uncertain significance (1 of 4 stars; one submission).

Submission:

GeneDx
Classification: Uncertain significance. Last evaluated: 2019-04-09. Review status: criteria provided, single submitter. Criteria: GeneDx Variant Classification Process June 2021. Collection method: clinical testing. Allele origin: germline. Affected: yes.
Comment: Not observed in large population cohorts (Lek et al., 2016); In silico analysis, which includes protein predictors and evolutionary conservation, supports a deleterious effect; Has not been previously published as pathogenic or benign to our knowledge

NM_006005.3(WFS1):c.2163C>G (p.Asn721Lys)

Gene: WFS1 (wolframin ER transmembrane glycoprotein; plus strand). Cytogenetic location: 4p16.1.
Variant type: single nucleotide variant.
Coding change: c.2163C>G on transcript NM_006005.3 (MANE Select); coding-DNA position 2163, C replaced by G.
Protein change: p.Asn721Lys; replaces asparagine 721 with lysine.
Molecular consequence: missense variant.
Genome position (GRCh38, 1-based): chr4:6,301,958, C>G. VCF-style: chr4-6301958-C-G. GRCh37 (hg19) VCF-style: chr4-6303685-C-G.
Other names: c.2163C>G, p.Asn721Lys (NM_001145853.1); short protein forms N721K.
Identifiers: ClinVar variation 1315596 (VCV001315596.2), dbSNP rs2109127121, ClinGen allele CA356177947.
Genomic context (GRCh38, chr4:6,301,958, plus strand): 5'-CGGCCGCTTCAAGTACGTCCGCGTGACTGACATCGACAACAGCGCCGAGTCTGCCATCAA[C>G]ATGCTCCCGTTCTTCATCGGCGACTGGATGCGCTGCCTCTACGGCGAGGCCTACCCTGCC-3'
Protein context (NP_005996.2, residues 711-731): DIDNSAESAI[Asn721Lys]MLPFFIGDWM